The following is an entry in ClinVar:

ClinVar aggregate classification (germline): Pathogenic/Likely pathogenic. Review status: criteria provided, multiple submitters, no conflicts (2 of 4 stars). 3 submissions from 3 submitters: Pathogenic (1); Likely pathogenic (2). Last evaluated 2026-04-14.

Conditions:
COQ4-related disorder. Also called: COQ4-related condition.
Neonatal encephalomyopathy-cardiomyopathy-respiratory distress syndrome. Also called: Coenzyme Q10 deficiency, primary, 7. Identifiers: Orphanet 457185, MedGen C5568562, MONDO:0014562, OMIM 616276.

Allele frequency attached by ClinVar (database versions not stated): ExAC 0.00001; gnomAD 0.00001; gnomAD exomes 0.00002 and 0.00005; TOPMed 0.00002.
gnomAD v4.1: 69 of 1,613,688 alleles (0.0043%); highest among the groups gnomAD compares: Non-Finnish European, 0.0055%; no homozygotes.

Submissions (3):

GeneDx
Classification: Likely pathogenic. Last evaluated: 2026-04-14. Review status: criteria provided, single submitter. Criteria: GeneDx Variant Classification Process June 2021. Collection method: clinical testing. Allele origin: germline.
Comment: Nonsense variant predicted to result in protein truncation or nonsense mediated decay in a gene for which loss of function is a known mechanism of disease; Not observed at significant frequency in large population cohorts (gnomAD); Has not been previously published as pathogenic or benign to our knowledge; This variant is associated with the following publications: (PMID: 25658047, 28991257)

Labcorp Genetics (formerly Invitae), Labcorp
Classification: Pathogenic for Neonatal encephalomyopathy-cardiomyopathy-respiratory distress syndrome. Last evaluated: 2025-06-12. Review status: criteria provided, single submitter. Criteria: Invitae Variant Classification Sherloc (09022015). Collection method: clinical testing. Allele origin: germline.
Comment: This sequence change creates a premature translational stop signal (p.Glu101*) in the COQ4 gene. It is expected to result in an absent or disrupted protein product. Loss-of-function variants in COQ4 are known to be pathogenic (PMID: 25658047). This variant is present in population databases (rs748924643, gnomAD 0.004%). This variant has not been reported in the literature in individuals affected with COQ4-related conditions. ClinVar contains an entry for this variant (Variation ID: 1388291). For these reasons, this variant has been classified as Pathogenic.

Greenwood Genetic Center Diagnostic Laboratories, Greenwood Genetic Center
Classification: Likely pathogenic for COQ4-related disorder. Last evaluated: 2024-06-05. Review status: criteria provided, single submitter. Criteria: ACMG Guidelines, 2015. Collection method: clinical testing. Allele origin: germline. Affected: yes.
Comment: PVS1, PM2

Literature cited by the submitters: PubMed 25658047 (cited by Labcorp Genetics (formerly Invitae), Labcorp).

NM_016035.5(COQ4):c.301G>T (p.Glu101Ter)

Gene: COQ4 (coenzyme Q4; plus strand). Cytogenetic location: 9q34.11.
Variant type: single nucleotide variant.
Coding change: c.301G>T on transcript NM_016035.5 (MANE Select); coding-DNA position 301, G replaced by T.
Protein change: p.Glu101Ter; replaces glutamic acid 101 with a stop codon.
Molecular consequence: nonsense. On other transcripts: synonymous variant (1).
Genome position (GRCh38, 1-based): chr9:128,325,780, G>T. VCF-style: chr9-128325780-G-T. GRCh37 (hg19) VCF-style: chr9-131088059-G-T.
Other names: c.204G>T, p.Gly68= (NM_001305942.2); c.301G>T (NM_016035.3); short protein forms E101*.
Identifiers: ClinVar variation 1388291 (VCV001388291.8), dbSNP rs748924643, ClinGen allele CA5260508.